The following is an entry in ClinVar:

ClinVar aggregate classification (germline): Pathogenic/Likely pathogenic. Review status: criteria provided, multiple submitters, no conflicts (2 of 4 stars). 2 submissions from 2 submitters: Pathogenic (1); Likely pathogenic (1). Last evaluated 2024-03-24.

Conditions:
Tuberous sclerosis 1 (TSC1). Identifiers: Orphanet 805, MedGen C1854465, MONDO:0008612, OMIM 191100.

Submissions (2):

Labcorp Genetics (formerly Invitae), Labcorp
Classification: Pathogenic for Tuberous sclerosis 1. Last evaluated: 2024-03-24. Review status: criteria provided, single submitter. Criteria: Invitae Variant Classification Sherloc (09022015). Collection method: clinical testing. Allele origin: germline.
Comment: This sequence change creates a premature translational stop signal (p.Val376Serfs*30) in the TSC1 gene. It is expected to result in an absent or disrupted protein product. Loss-of-function variants in TSC1 are known to be pathogenic (PMID: 10227394, 17304050). This variant is not present in population databases (gnomAD no frequency). This variant has not been reported in the literature in individuals affected with TSC1-related conditions. ClinVar contains an entry for this variant (Variation ID: 448713). For these reasons, this variant has been classified as Pathogenic.

Athena Diagnostics
Classification: Likely pathogenic. Last evaluated: 2017-05-15. Review status: criteria provided, single submitter. Criteria: Athena Diagnostics Criteria. Collection method: clinical testing. Allele origin: germline.

Literature cited by the submitters: PubMed 10227394 (cited by Labcorp Genetics (formerly Invitae), Labcorp); PubMed 17304050 (cited by Labcorp Genetics (formerly Invitae), Labcorp).

NM_000368.5(TSC1):c.1125dup (p.Val376fs)

Gene: TSC1 (TSC complex subunit 1; minus strand). Cytogenetic location: 9q34.13.
Variant type: Duplication.
Coding change: c.1125dup on transcript NM_000368.5 (MANE Select); coding-DNA position 1125, one base duplicated (A; older notation c.1125dupA).
Protein change: p.Val376fs; shifts the reading frame from valine 376.
Molecular consequence: frameshift variant.
Genome position (GRCh38, 1-based): chr9:132,911,018, T duplicated on the plus strand (A on the coding strand, the reverse complement: TSC1 is on the minus strand); the first of 3 consecutive T bases (chr9:132,911,018-132,911,020); duplicating any one gives the same sequence. VCF-style (leftmost placement, unchanged base first): chr9-132911017-C-CT. GRCh37 (hg19) VCF-style: chr9-135786404-C-CT.
Other names: c.1125dup, p.Val376fs (NM_001162426.2); c.972dup, p.Val325fs (NM_001162427.2); c.762dup, p.Val255fs (NM_001362177.2); short protein forms V325fs, V376fs, V255fs.
Identifiers: ClinVar variation 448713 (VCV000448713.3), dbSNP rs1554817227, ClinGen allele CA658657923.